The following is an entry in ClinVar:

ClinVar aggregate classification (germline): Uncertain significance. Review status: criteria provided, multiple submitters, no conflicts (2 of 4 stars). 2 submissions from 2 submitters: Uncertain significance (2). Last evaluated 2026-03-01.

Allele frequency attached by ClinVar (database versions not stated): gnomAD exomes below 0.00001; TOPMed 0.00001.
gnomAD v4.1: 1 of 1,613,948 alleles (0.000062%); highest among the groups gnomAD compares: East Asian, 0.0022%; no homozygotes.

Submissions (2):

CeGaT Center for Human Genetics Tuebingen
Classification: Uncertain significance. Last evaluated: 2026-03-01. Review status: criteria provided, single submitter. Criteria: CeGaT Center For Human Genetics Tuebingen Variant Classification Criteria Version 2. Collection method: clinical testing. Allele origin: germline. Affected: yes. Observed: 1 variant allele.
Comment: COL11A1: PM2, BP4

Labcorp Genetics (formerly Invitae), Labcorp
Classification: Uncertain significance. Last evaluated: 2023-06-20. Review status: criteria provided, single submitter. Criteria: Invitae Variant Classification Sherloc (09022015). Collection method: clinical testing. Allele origin: germline.
Comment: This sequence change replaces asparagine, which is neutral and polar, with lysine, which is basic and polar, at codon 1514 of the COL11A1 protein (p.Asn1514Lys). This variant is not present in population databases (gnomAD no frequency). In summary, the available evidence is currently insufficient to determine the role of this variant in disease. Therefore, it has been classified as a Variant of Uncertain Significance. Advanced modeling of protein sequence and biophysical properties (such as structural, functional, and spatial information, amino acid conservation, physicochemical variation, residue mobility, and thermodynamic stability) performed at Invitae indicates that this missense variant is not expected to disrupt COL11A1 protein function. This variant has not been reported in the literature in individuals affected with COL11A1-related conditions.

NM_001854.4(COL11A1):c.4542C>A (p.Asn1514Lys)

Gene: COL11A1 (collagen type XI alpha 1 chain; minus strand). Cytogenetic location: 1p21.1.
Variant type: single nucleotide variant.
Coding change: c.4542C>A on transcript NM_001854.4 (MANE Select); coding-DNA position 4542, C replaced by A.
Protein change: p.Asn1514Lys; replaces asparagine 1514 with lysine.
Molecular consequence: missense variant. On other transcripts: non-coding transcript variant (1).
Genome position (GRCh38, 1-based): chr1:102,888,735, G>T on the plus strand (C>A on the coding strand, the complement: COL11A1 is on the minus strand). VCF-style: chr1-102888735-G-T. GRCh37 (hg19) VCF-style: chr1-103354291-G-T.
Other names: c.4194C>A, p.Asn1398Lys (NM_001168249.1, NM_080630.4); c.4425C>A, p.Asn1475Lys (NM_001190709.2); c.4578C>A, p.Asn1526Lys (NM_080629.3); short protein forms N1398K, N1475K, N1514K, N1526K.
Identifiers: ClinVar variation 2976224 (VCV002976224.7), dbSNP rs1468589956, ClinGen allele CA341212401.
Genomic context (GRCh38, chr1:102,888,735, plus strand): 5'-AAATAGGTTTCAATGCAAAATTAAATTGTCAAAGGGAAAAGTACTTACAGTAGAGCCTTT[G>T]TTACCCTTTGGGCCTTGAGGACCCTACAAAATGCAAATGCAAAAGCACAGATAAAAATCT-3'
Protein context (NP_001845.3, residues 1504-1524): GLPGPQGPKG[Asn1514Lys]KGSTGPAGQK